The following is an entry in ClinVar:

ClinVar aggregate classification (germline): Uncertain significance. Review status: criteria provided, multiple submitters, no conflicts (2 of 4 stars). 2 submissions from 2 submitters: Uncertain significance (2). Last evaluated 2025-07-19.

gnomAD v4.1: 1 of 1,614,000 alleles (0.000062%); no homozygotes.

Submissions (2):

Ambry Genetics
Classification: Uncertain significance. Last evaluated: 2025-07-19. Review status: criteria provided, single submitter. Criteria: Ambry Variant Classification Scheme 2023. Collection method: clinical testing. Allele origin: germline.
Comment: The p.G445E variant (also known as c.1334G>A), located in coding exon 8 of the RNF43 gene, results from a G to A substitution at nucleotide position 1334. The glycine at codon 445 is replaced by glutamic acid, an amino acid with similar properties. This amino acid position is conserved. In addition, this alteration is predicted to be tolerated by in silico analysis. Based on the available evidence, the clinical significance of this variant remains unclear.

Labcorp Genetics (formerly Invitae), Labcorp
Classification: Uncertain significance. Last evaluated: 2024-02-09. Review status: criteria provided, single submitter. Criteria: Invitae Variant Classification Sherloc (09022015). Collection method: clinical testing. Allele origin: germline.
Comment: This sequence change replaces glycine, which is neutral and non-polar, with glutamic acid, which is acidic and polar, at codon 445 of the RNF43 protein (p.Gly445Glu). This variant is present in population databases (no rsID available, gnomAD 0.003%). This variant has not been reported in the literature in individuals affected with RNF43-related conditions. An algorithm developed to predict the effect of missense changes on protein structure and function (PolyPhen-2) suggests that this variant is likely to be disruptive. In summary, the available evidence is currently insufficient to determine the role of this variant in disease. Therefore, it has been classified as a Variant of Uncertain Significance.

NM_017763.6(RNF43):c.1334G>A (p.Gly445Glu)

Gene: RNF43 (ring finger protein 43; minus strand). Cytogenetic location: 17q22.
Variant type: single nucleotide variant.
Coding change: c.1334G>A on transcript NM_017763.6 (MANE Select); coding-DNA position 1334, G replaced by A.
Protein change: p.Gly445Glu; replaces glycine 445 with glutamic acid.
Molecular consequence: missense variant.
Genome position (GRCh38, 1-based): chr17:58,358,442, C>T on the plus strand (G>A on the coding strand, the complement: RNF43 is on the minus strand). VCF-style: chr17-58358442-C-T. GRCh37 (hg19) VCF-style: chr17-56435803-C-T.
Other names: c.1334G>A, p.Gly445Glu (NM_001305544.3); c.953G>A, p.Gly318Glu (NM_001305545.2); c.1334G>A (NM_017763.4); short protein forms G318E, G445E.
Identifiers: ClinVar variation 2781816 (VCV002781816.4), dbSNP rs1457710046, ClinGen allele CA400330218.